The following is an entry in ClinVar:

ClinVar aggregate classification (germline): Benign. Review status: criteria provided, multiple submitters, no conflicts (2 of 4 stars). 15 submissions from 13 submitters: Benign (12). 3 of the submissions do not count toward it. Last evaluated 2026-02-04.

Conditions:
Ullrich congenital muscular dystrophy 1A. Also called: Intermediate COL6-RD; Ullrich congenital muscular dystrophy 1. Identifiers: Orphanet 75840, MedGen C0410179, MONDO:0009681, OMIM 254090.
Collagen 6-related myopathy. Identifiers: MedGen CN117976, MONDO:0100225.
Myosclerosis. Also called: MYOPATHY, MYOSCLEROTIC; MYOSCLEROSIS, CONGENITAL, OF LOWENTHAL; Myosclerosis, congenital. Identifiers: Orphanet 289380, MedGen C1850671, MONDO:0009714, OMIM 255600.
Bethlem myopathy 1A. Also called: MYOPATHY, BENIGN CONGENITAL, WITH CONTRACTURES; Bethlem myopathy 1; Bethlem Muscular Dystrophy. Identifiers: Orphanet 610, MedGen CN029274, MONDO:0024530, OMIM 158810.

Allele frequency attached by ClinVar (database versions not stated): TOPMed 0.74306; 1000 Genomes Project 30x 0.70237; gnomAD 0.74081 and 0.74122; 1000 Genomes Project 0.70527; ESP Exome Variant Server 0.72923.
gnomAD v4.1: 1,292,579 of 1,611,660 alleles (80%); highest among the groups gnomAD compares: East Asian, 91%; 524,735 homozygotes.

Submissions (15):

Labcorp Genetics (formerly Invitae), Labcorp
Classification: Benign for Bethlem myopathy 1A. Last evaluated: 2026-02-04. Review status: criteria provided, single submitter. Criteria: Invitae Variant Classification Sherloc (09022015). Collection method: clinical testing. Allele origin: germline.

Blueprint Genetics
Classification: Benign. Last evaluated: 2024-11-28. Review status: criteria provided, single submitter. Criteria: ACMG Guidelines, 2015. Collection method: clinical testing. Allele origin: germline.

Genome-Nilou Lab
Classification: Benign for Myosclerosis. Last evaluated: 2021-07-30. Review status: criteria provided, single submitter. Criteria: ACMG Guidelines, 2015. Collection method: clinical testing. Allele origin: germline. Affected: no.

Genome-Nilou Lab
Classification: Benign for Bethlem myopathy 1A. Last evaluated: 2021-07-30. Review status: criteria provided, single submitter. Criteria: ACMG Guidelines, 2015. Collection method: clinical testing. Allele origin: germline. Affected: no.

Genome-Nilou Lab
Classification: Benign for Ullrich congenital muscular dystrophy 1A. Last evaluated: 2021-07-30. Review status: criteria provided, single submitter. Criteria: ACMG Guidelines, 2015. Collection method: clinical testing. Allele origin: germline. Affected: no.

Illumina Laboratory Services, Illumina
Classification: Benign for Collagen VI-related myopathy. Last evaluated: 2018-01-13. Review status: criteria provided, single submitter. Criteria: ICSL Variant Classification Criteria 13 December 2019. Collection method: clinical testing. Allele origin: germline.
Comment: This variant was observed in the ICSL laboratory as part of a predisposition screen in an ostensibly healthy population. It had not been previously curated by ICSL or reported in the Human Gene Mutation Database (HGMD: prior to June 1st, 2018), and was therefore a candidate for classification through an automated scoring system. Utilizing variant allele frequency, disease prevalence and penetrance estimates, and inheritance mode, an automated score was calculated to assess if this variant is too frequent to cause the disease. Based on the score and internal cut-off values, a variant classified as benign is not then subjected to further curation. The score for this variant resulted in a classification of benign for this disease.

Mayo Clinic Laboratories, Mayo Clinic
Classification: Benign. Last evaluated: 2017-07-19. Review status: criteria provided, single submitter. Criteria: ACMG Guidelines, 2015. Collection method: clinical testing. Allele origin: germline. Observed: 714 variant alleles.

GeneDx
Classification: Benign. Last evaluated: 2016-01-05. Review status: criteria provided, single submitter. Criteria: GeneDx Variant Classification (06012015). Collection method: clinical testing. Allele origin: germline. Affected: yes.
Comment: This variant is considered likely benign or benign based on one or more of the following criteria: it is a conservative change, it occurs at a poorly conserved position in the protein, it is predicted to be benign by multiple in silico algorithms, and/or has population frequency not consistent with disease.

Genetic Services Laboratory, University of Chicago
Classification: Benign for AllHighlyPenetrant. Last evaluated: 2013-08-15. Review status: criteria provided, single submitter. Criteria: ACMG Guidelines, 2007. Collection method: clinical testing. Allele origin: germline.

Eurofins Ntd Llc (ga)
Classification: Benign. Last evaluated: 2012-07-31. Review status: criteria provided, single submitter. Criteria: EGL Classification Definitions 2015. Collection method: clinical testing. Allele origin: germline. Observed: 89 variant alleles, 34 heterozygotes, 56 homozygotes.

Breakthrough Genomics
Classification: Benign. Review status: criteria provided, single submitter. Criteria: ACMG Guidelines, 2015. Collection method: not provided. Allele origin: germline. Inheritance: Autosomal recessive inheritance. Affected: yes.

PreventionGenetics, part of Exact Sciences
Classification: Benign. Review status: criteria provided, single submitter. Criteria: ACMG Guidelines, 2015. Collection method: clinical testing. Allele origin: germline.

Clinical Genetics, Academic Medical Center
Classification: Benign. Review status: no assertion criteria provided. Collection method: clinical testing. Allele origin: germline. Affected: yes. Study: VKGL Data-share Consensus. Not counted in ClinVar's aggregate classification.

Diagnostic Laboratory, Department of Genetics, University Medical Center Groningen
Classification: Benign. Review status: no assertion criteria provided. Collection method: clinical testing. Allele origin: germline. Affected: yes. Study: VKGL Data-share Consensus. Not counted in ClinVar's aggregate classification.

Joint Genome Diagnostic Labs from Nijmegen and Maastricht, Radboudumc and MUMC+
Classification: Benign. Review status: no assertion criteria provided. Collection method: clinical testing. Allele origin: germline. Affected: yes. Study: VKGL Data-share Consensus. Not counted in ClinVar's aggregate classification.

NM_001849.4(COL6A2):c.1196G>A (p.Ser399Asn)

Gene: COL6A2 (collagen type VI alpha 2 chain; plus strand). Cytogenetic location: 21q22.3.
Variant type: single nucleotide variant.
Coding change: c.1196G>A on transcript NM_001849.4 (MANE Select); coding-DNA position 1196, G replaced by A.
Protein change: p.Ser399Asn; replaces serine 399 with asparagine.
Molecular consequence: missense variant.
Genome position (GRCh38, 1-based): chr21:46,119,046, G>A. VCF-style: chr21-46119046-G-A. GRCh37 (hg19) VCF-style: chr21-47538960-G-A.
Other names: c.1196G>A, p.Ser399Asn (NM_058174.3, NM_058175.3); short protein forms S399N.
Identifiers: ClinVar variation 93903 (VCV000093903.32), dbSNP rs2839110, ClinGen allele CA147426.
Genomic context (GRCh38, chr21:46,119,046, plus strand): 5'-GGGCCCCTGCCTCTGGGTGACTGTGCTGTCCTCTCCTTCTTCAGGGGTATCAAGGCAACA[G>A]TGGAGCCCCAGGAAGTCCTGGTGTGAAAGGAGCCAAGGGCGGGCCTGGGCCCCGCGGACC-3'
Protein context (NP_001840.3, residues 389-409): AKGSKGYQGN[Ser399Asn]GAPGSPGVKG